The following is an entry in ClinVar:

NM_130384.3(ATRIP):c.336C>A (p.Phe112Leu)

Genes: ATRIP (ATR interacting protein; plus strand), ATRIP-TREX1 (ATRIP-TREX1 readthrough; plus strand). Cytogenetic location: 3p21.31.
Variant type: single nucleotide variant.
Coding change: c.336C>A on transcript NM_130384.3 (MANE Select); coding-DNA position 336, C replaced by A.
Protein change: p.Phe112Leu; replaces phenylalanine 112 with leucine.
Molecular consequence: missense variant. On other transcripts: non-coding transcript variant (1), 5 prime UTR variant (1).
Genome position (GRCh38, 1-based): chr3:48,450,125, C>A. VCF-style: chr3-48450125-C-A. GRCh37 (hg19) VCF-style: chr3-48491531-C-A.
Other names: c.-129C>A (NM_001271022.2); c.57C>A, p.Phe19Leu (NM_001271023.2); c.336C>A, p.Phe112Leu (NM_032166.4); short protein forms F112L, F19L.
Identifiers: ClinVar variation 3975869 (VCV003975869.1).

ClinVar aggregate classification (germline): Uncertain significance (1 of 4 stars; one submission).

Submission:

Ambry Genetics
Classification: Uncertain significance. Last evaluated: 2025-03-31. Review status: criteria provided, single submitter. Criteria: Ambry Variant Classification Scheme 2023. Collection method: clinical testing. Allele origin: germline.
Comment: The p.F112L variant (also known as c.336C>A), located in coding exon 2 of the ATRIP gene, results from a C to A substitution at nucleotide position 336. The phenylalanine at codon 112 is replaced by leucine, an amino acid with highly similar properties. This amino acid position is conserved. In addition, this alteration is predicted to be tolerated by in silico analysis. Based on the available evidence, the clinical significance of this variant remains unclear.